The following is an entry in ClinVar:

ClinVar aggregate classification (germline): Uncertain significance (1 of 4 stars; one submission).

Conditions:
Neuronal ceroid lipofuscinosis 7 (CLN7). Also called: MFSD8-Related Neuronal Ceroid-Lipofuscinosis. Identifiers: Orphanet 168491, Orphanet 228366, MedGen C1838571, MONDO:0012588, OMIM 610951.

gnomAD v4.1: 1 of 1,613,310 alleles (0.000062%); no homozygotes.

Submission:

Labcorp Genetics (formerly Invitae), Labcorp
Classification: Uncertain significance for Neuronal ceroid lipofuscinosis 7. Last evaluated: 2021-08-31. Review status: criteria provided, single submitter. Criteria: Invitae Variant Classification Sherloc (09022015). Collection method: clinical testing. Allele origin: germline.
Comment: This sequence change replaces glycine with alanine at codon 310 of the MFSD8 protein (p.Gly310Ala). The glycine residue is highly conserved and there is a small physicochemical difference between glycine and alanine. This variant is not present in population databases (ExAC no frequency). This variant has not been reported in the literature in individuals affected with MFSD8-related conditions. Algorithms developed to predict the effect of missense changes on protein structure and function are either unavailable or do not agree on the potential impact of this missense change (SIFT: "Tolerated"; PolyPhen-2: "Probably Damaging"; Align-GVGD: "Class C0"). In summary, the available evidence is currently insufficient to determine the role of this variant in disease. Therefore, it has been classified as a Variant of Uncertain Significance.

NM_001371596.2(MFSD8):c.929G>C (p.Gly310Ala)

Gene: MFSD8 (major facilitator superfamily domain containing 8; minus strand). Cytogenetic location: 4q28.2.
Variant type: single nucleotide variant.
Coding change: c.929G>C on transcript NM_001371596.2 (MANE Select); coding-DNA position 929, G replaced by C.
Protein change: p.Gly310Ala; replaces glycine 310 with alanine.
Molecular consequence: missense variant.
Genome position (GRCh38, 1-based): chr4:127,930,752, C>G on the plus strand (G>C on the coding strand, the complement: MFSD8 is on the minus strand). VCF-style: chr4-127930752-C-G. GRCh37 (hg19) VCF-style: chr4-128851907-C-G.
Other names: c.728G>C, p.Gly243Ala (NM_001363520.3); c.614G>C, p.Gly205Ala (NM_001363521.3); c.794G>C, p.Gly265Ala (NM_001371590.2); c.929G>C, p.Gly310Ala (NM_001371591.2, NM_152778.4); c.935G>C, p.Gly312Ala (NM_001371592.2); c.815G>C, p.Gly272Ala (NM_001371593.2, NM_001410766.1); c.782G>C, p.Gly261Ala (NM_001371594.2); c.647G>C, p.Gly216Ala (NM_001371595.1); and 1 more; short protein forms G205A, G216A, G243A, G261A, G265A, G272A, G310A, G312A.
Identifiers: ClinVar variation 1053206 (VCV001053206.3), dbSNP rs118203975, ClinGen allele CA358173779.